The following is an entry in ClinVar:

ClinVar aggregate classification (germline): Pathogenic. Review status: criteria provided, multiple submitters, no conflicts (2 of 4 stars). 3 submissions from 3 submitters: Pathogenic (3). Last evaluated 2024-01-02.

Conditions:
Birt-Hogg-Dube syndrome. Also called: Birt Hogg Dubé syndrome. Identifiers: Orphanet 122, MedGen C0346010, MONDO:0800444.

Submissions (3):

GeneDx
Classification: Pathogenic. Last evaluated: 2024-01-02. Review status: criteria provided, single submitter. Criteria: GeneDx Variant Classification Process June 2021. Collection method: clinical testing. Allele origin: germline. Affected: yes.
Comment: Frameshift variant predicted to result in protein truncation or nonsense mediated decay in a gene for which loss of function is a known mechanism of disease; Not observed at significant frequency in large population cohorts (gnomAD); Has not been previously published as pathogenic or benign to our knowledge; This variant is associated with the following publications: (PMID: 15852235)

Labcorp Genetics (formerly Invitae), Labcorp
Classification: Pathogenic for Birt-Hogg-Dube syndrome. Last evaluated: 2022-08-03. Review status: criteria provided, single submitter. Criteria: Invitae Variant Classification Sherloc (09022015). Collection method: clinical testing. Allele origin: germline.
Comment: For these reasons, this variant has been classified as Pathogenic. ClinVar contains an entry for this variant (Variation ID: 253242). This variant has not been reported in the literature in individuals affected with FLCN-related conditions. This variant is not present in population databases (gnomAD no frequency). This sequence change creates a premature translational stop signal (p.Phe346Profs*41) in the FLCN gene. It is expected to result in an absent or disrupted protein product. Loss-of-function variants in FLCN are known to be pathogenic (PMID: 15852235).

Genomic Diagnostic Laboratory, Division of Genomic Diagnostics, Children's Hospital of Philadelphia
Classification: Pathogenic for Birt-Hogg-Dube Syndrome. Last evaluated: 2016-07-18. Review status: criteria provided, single submitter. Criteria: DGD Variant Analysis Guidelines. Collection method: clinical testing. Allele origin: germline. Affected: yes. Observed: 1 variant allele.
Comment: Clinical Testing

Literature cited by the submitters: PubMed 15852235 (cited by Labcorp Genetics (formerly Invitae), Labcorp).

NM_144997.7(FLCN):c.1036_1043del (p.Phe346fs)

Gene: FLCN (folliculin; minus strand). Cytogenetic location: 17p11.2.
Variant type: Deletion.
Coding change: c.1036_1043del on transcript NM_144997.7 (MANE Select); coding-DNA positions 1036 to 1043, 8 bases deleted (TTCAAGTC; older notation c.1036_1043delTTCAAGTC).
Protein change: p.Phe346fs; shifts the reading frame from phenylalanine 346.
Molecular consequence: frameshift variant.
Genome position (GRCh38, 1-based): chr17:17,219,038-17,219,045, GACTTGAA deleted on the plus strand (TTCAAGTC on the coding strand, the reverse complement: FLCN is on the minus strand); deleting any 8 consecutive bases within chr17:17,219,038-17,219,049 gives the same sequence; the c. name uses the placement nearest the transcript's 3' end. VCF-style (leftmost placement, unchanged base first): chr17-17219037-GGACTTGAA-G. GRCh37 (hg19) VCF-style: chr17-17122351-GGACTTGAA-G.
Other names: c.1036_1043del (LRG_325t1); c.1090_1097del, p.Phe364fs (NM_001353229.2); c.1036_1043del, p.Phe346fs (NM_001353230.2, NM_001353231.2); short protein forms F346fs, F364fs.
Identifiers: ClinVar variation 253242 (VCV000253242.9), dbSNP rs879255670, ClinGen allele CA10586261.
Genomic context (GRCh38, chr17:17,219,037, plus strand): 5'-TCTCCTCCTGAGCTCCTGATGCGCTGTGCCCCTGCCGCCTACCTGCCTCATGTGCCGGAG[GGACTTGAA>G]GACTGGCAGCTTCCGGGGCTGCCAGCTCCCACAGCCTGAGAGAGAGGAGGACTCTGCCGG-3'